The following is an entry in ClinVar:

ClinVar aggregate classification (germline): Uncertain significance (1 of 4 stars; one submission).

Conditions:
Combined immunodeficiency due to DOCK8 deficiency (HIES2). Also called: HIES autosomal recessive; HYPER-IgE RECURRENT INFECTION SYNDROME 2, AUTOSOMAL RECESSIVE; HYPER-IgE SYNDROME 2, AUTOSOMAL RECESSIVE, WITH RECURRENT INFECTIONS; Hyper-IgE recurrent infection syndrome, autosomal recessive; DOCK8 Deficiency. Identifiers: Orphanet 217390, MedGen C4722305, MONDO:0009478, OMIM 243700.

gnomAD v4.1: 4 of 1,614,166 alleles (0.00025%); highest among the groups gnomAD compares: Non-Finnish European, 0.00034%; no homozygotes.

Submission:

Labcorp Genetics (formerly Invitae), Labcorp
Classification: Uncertain significance for Combined immunodeficiency due to DOCK8 deficiency. Last evaluated: 2025-10-23. Review status: criteria provided, single submitter. Criteria: Invitae Variant Classification Sherloc (09022015). Collection method: clinical testing. Allele origin: germline.
Comment: This sequence change replaces glutamic acid, which is acidic and polar, with glutamine, which is neutral and polar, at codon 169 of the DOCK8 protein (p.Glu169Gln). This variant is not present in population databases (gnomAD no frequency). This variant has not been reported in the literature in individuals affected with DOCK8-related conditions. An algorithm developed to predict the effect of missense changes on protein structure and function (PolyPhen-2) suggests that this variant is likely to be tolerated. In summary, the available evidence is currently insufficient to determine the role of this variant in disease. Therefore, it has been classified as a Variant of Uncertain Significance.

NM_203447.4(DOCK8):c.505G>C (p.Glu169Gln)

Gene: DOCK8 (dedicator of cytokinesis 8; plus strand). Cytogenetic location: 9p24.3.
Variant type: single nucleotide variant.
Coding change: c.505G>C on transcript NM_203447.4 (MANE Select); coding-DNA position 505, G replaced by C.
Protein change: p.Glu169Gln; replaces glutamic acid 169 with glutamine.
Molecular consequence: missense variant.
Genome position (GRCh38, 1-based): chr9:304,681, G>C. VCF-style: chr9-304681-G-C. GRCh37 (hg19) VCF-style: chr9-304681-G-C.
Other names: c.301G>C, p.Glu101Gln (NM_001190458.2, NM_001193536.2); short protein forms E101Q, E169Q.
Identifiers: ClinVar variation 4781968 (VCV004781968.1).